The following is an entry in ClinVar:

ClinVar aggregate classification (germline): Pathogenic. Review status: criteria provided, multiple submitters, no conflicts (2 of 4 stars). 5 submissions from 5 submitters: Pathogenic (5). Last evaluated 2024-06-07.

Conditions:
Mucopolysaccharidosis, MPS-II (MPS2). Also called: Hunter Syndrome; Mucopolysaccharidosis with skin involvement; Mucopolysaccharidosis type 2; IDURONATE 2-SULFATASE DEFICIENCY; Mucopolysaccharidosis Type II; IDS deficiency. Identifiers: Orphanet 580, Orphanet 79388, MedGen C0026705, MONDO:0010674, OMIM 309900.

Submissions (5):

Laboratory of Diagnosis and Therapy of Lysosomal Disorders, University of Padova
Classification: Pathogenic for Mucopolysaccharidosis, MPS-II. Last evaluated: 2024-06-07. Review status: criteria provided, single submitter. Criteria: ACMG Guidelines, 2015. Collection method: literature only. Allele origin: germline. Affected: yes. Observed: 7 variant alleles.
Comment: Null variant (PVS1_Strong), Prevalence of the variant significantly increased in affected individuals compared with controls (PS4_Supporting), Absent from controls (or at low frequency) in gnomAD database (PM2_Moderate), Patient’s phenotype or family history highly specific for the disease (PP4_Strong)

Classification method: ACMG Guidelines [PMID:25741868] with modifications

GeneDx
Classification: Pathogenic. Last evaluated: 2022-05-16. Review status: criteria provided, single submitter. Criteria: GeneDx Variant Classification Process June 2021. Collection method: clinical testing. Allele origin: germline. Affected: yes.
Comment: Nonsense variant in the C-terminus predicted to result in protein truncation, as the last 85 amino acids are lost, and other variants have been reported downstream in the Human Gene Mutation Database (HGMD); Not observed in large population cohorts (gnomAD); This variant is associated with the following publications: (PMID: 25681085, 17063374, 9950361, 8830188, 27896113)

Genome-Nilou Lab
Classification: Pathogenic for Mucopolysaccharidosis, MPS-II. Last evaluated: 2021-09-05. Review status: criteria provided, single submitter. Criteria: ACMG Guidelines, 2015. Collection method: clinical testing. Allele origin: germline. Affected: no.

Labcorp Genetics (formerly Invitae), Labcorp
Classification: Pathogenic for Mucopolysaccharidosis, MPS-II. Last evaluated: 2018-06-19. Review status: criteria provided, single submitter. Criteria: Invitae Variant Classification Sherloc (09022015). Collection method: clinical testing. Allele origin: germline.
Comment: For these reasons, this variant has been classified as Pathogenic. Other truncations (p.Met488Serfs*11, p.Tyr523Leufs*6 and p.Leu530Phefs*8) that lie downstream of this variant have been reported in individuals affected with mucopolysaccharidosis type II (PMID: 27246110, 8940265, 17284421). This variant has been observed in individuals affected with mucopolysaccharidosis type II (PMID: 8830188, 17063374, Invitae). ClinVar contains an entry for this variant (Variation ID: 221202). This variant is not present in population databases (ExAC no frequency). This sequence change results in a premature translational stop signal in the IDS gene (p.Gln465*). While this is not anticipated to result in nonsense mediated decay, it is expected to disrupt the last 86 amino acids of the IDS protein.

IIFP, CONICET-UNLP
Classification: Pathogenic for Mucopolysaccharidosis, MPS-II. Last evaluated: 2013-10-30. Review status: criteria provided, single submitter. Criteria: ACMG Guidelines, 2007. Collection method: research. Allele origin: unknown. Inheritance: X-linked inheritance. Affected: yes.

Literature cited by the submitters: PubMed 17063374 (cited by Laboratory of Diagnosis and Therapy of Lysosomal Disorders, University of Padova and Labcorp Genetics (formerly Invitae), Labcorp); PubMed 27896113 (cited by Laboratory of Diagnosis and Therapy of Lysosomal Disorders, University of Padova); PubMed 25681085 (cited by Laboratory of Diagnosis and Therapy of Lysosomal Disorders, University of Padova); PubMed 8830188 (cited by Laboratory of Diagnosis and Therapy of Lysosomal Disorders, University of Padova and Labcorp Genetics (formerly Invitae), Labcorp); PubMed 9950361 (cited by Laboratory of Diagnosis and Therapy of Lysosomal Disorders, University of Padova); PubMed 27246110 (cited by Labcorp Genetics (formerly Invitae), Labcorp); PubMed 8940265 (cited by Labcorp Genetics (formerly Invitae), Labcorp); PubMed 17284421 (cited by Labcorp Genetics (formerly Invitae), Labcorp); DOI 10.1016/j.ymgmr.2014.08.006 (cited by IIFP, CONICET-UNLP).

NM_000202.8(IDS):c.1393C>T (p.Gln465Ter)

Gene: IDS (iduronate 2-sulfatase; minus strand). Cytogenetic location: Xq28.
Variant type: single nucleotide variant.
Coding change: c.1393C>T on transcript NM_000202.8 (MANE Select); coding-DNA position 1393, C replaced by T.
Protein change: p.Gln465Ter; replaces glutamine 465 with a stop codon.
Molecular consequence: nonsense.
Genome position (GRCh38, 1-based): chrX:149,483,006, G>A on the plus strand (C>T on the coding strand, the complement: IDS is on the minus strand). VCF-style: chrX-149483006-G-A. GRCh37 (hg19) VCF-style: chrX-148564537-G-A.
Other names: c.1123C>T, p.Gln375Ter (NM_001166550.4); short protein forms Q465*, Q375*.
Identifiers: ClinVar variation 221202 (VCV000221202.16), dbSNP rs864622772, ClinGen allele CA349672.
Genomic context (GRCh38, chrX:149,483,006, plus strand): 5'-TATCTTTTAAACTCGGCTTGTCAGAATTCCACTGAGGGATGTCTGAAGGCCGGGGATACT[G>A]GCTATAGGCAATCAGTTCACGGGGATTACCAGGGAGGTACGGATCCTCTTCCAAGTCACG-3'